The following is an entry in ClinVar:

NM_000123.4(ERCC5):c.1572G>A (p.Pro524=)

Genes: BIVM-ERCC5 (BIVM-ERCC5 readthrough; plus strand), ERCC5 (ERCC excision repair 5, endonuclease; plus strand). Cytogenetic location: 13q33.1.
Variant type: single nucleotide variant.
Coding change: c.1572G>A on transcript NM_000123.4 (MANE Select); coding-DNA position 1572, G replaced by A.
Protein change: p.Pro524=; no amino-acid change (proline 524 retained).
Molecular consequence: synonymous variant.
Genome position (GRCh38, 1-based): chr13:102,862,721, G>A. VCF-style: chr13-102862721-G-A. GRCh37 (hg19) VCF-style: chr13-103515071-G-A.
Other names: c.2934G>A, p.Pro978= (NM_001204425.2).
Identifiers: ClinVar variation 1692178 (VCV001692178.25), dbSNP rs776326992, ClinGen allele CA484968261.
Genomic context (GRCh38, chr13:102,862,721, plus strand): 5'-GAGTGCAGTGGTTAGACATAGTGACGCACCTGGGCTCCCGAATGGAAGGGAACTGACACC[G>A]GCATCTCCAACTTGTACAAATTCTGTGTCAAAGAATGAAACACATGCTGAAGTGCTTGAG-3'
Protein context (NP_000114.3, residues 514-534): PGLPNGRELT[Pro524=]ASPTCTNSVS

ClinVar aggregate classification (germline): Likely benign. Review status: criteria provided, multiple submitters, no conflicts (2 of 4 stars). 2 submissions from 2 submitters: Likely benign (2). Last evaluated 2023-05-01.

Conditions:
Hereditary cancer-predisposing syndrome. Also called: Neoplastic Syndromes, Hereditary; Hereditary neoplastic syndrome; Tumor predisposition; Hereditary Cancer Syndrome. Identifiers: Orphanet 140162, MedGen C0027672, MeSH D009386, MONDO:0015356.

Allele frequency attached by ClinVar (database versions not stated): gnomAD 0.00001.
gnomAD v4.1: 24 of 1,614,068 alleles (0.0015%); highest among the groups gnomAD compares: East Asian, 0.0045%; no homozygotes.

Submissions (2):

CeGaT Center for Human Genetics Tuebingen
Classification: Likely benign. Last evaluated: 2023-05-01. Review status: criteria provided, single submitter. Criteria: CeGaT Center For Human Genetics Tuebingen Variant Classification Criteria Version 2. Collection method: clinical testing. Allele origin: germline. Affected: yes. Observed: 1 variant allele.
Comment: ERCC5: BP4, BP7

Sema4
Classification: Likely benign for Hereditary cancer-predisposing syndrome. Last evaluated: 2021-10-14. Review status: criteria provided, single submitter. Criteria: Sema4 Curation Guidelines. Collection method: curation. Allele origin: germline.